The following is an entry in ClinVar:

ClinVar aggregate classification (germline): Pathogenic (1 of 4 stars; one submission).

Conditions:
Leber congenital amaurosis 8 (LCA8). Identifiers: Orphanet 65, MedGen C3151202, MONDO:0013453, OMIM 613835.
Retinitis pigmentosa 12 (RP12). Also called: RP WITH OR WITHOUT PPRPE; RP WITH OR WITHOUT PRESERVED PARAARTERIOLE RETINAL PIGMENT EPITHELIUM; RETINITIS PIGMENTOSA WITH OR WITHOUT PARAARTERIOLAR PRESERVATION OF RETINAL PIGMENT EPITHELIUM. Identifiers: Orphanet 791, MedGen C1838647, MONDO:0010818, OMIM 600105.

Submission:

Labcorp Genetics (formerly Invitae), Labcorp
Classification: Pathogenic for Leber congenital amaurosis 8; Retinitis pigmentosa 12. Last evaluated: 2019-09-07. Review status: criteria provided, single submitter. Criteria: Invitae Variant Classification Sherloc (09022015). Collection method: clinical testing. Allele origin: germline.
Comment: This variant is a deletion of the genomic region encompassing exon 10 and part of exon 9 (c.3393_3879-492del) of the CRB1 gene. It is expected to disrupt RNA splicing and likely results in an absent or disrupted protein product. This variant has not been reported in the literature in individuals with CRB1-related conditions. This variant disrupts the p.Cys1163 amino acid residue in CRB1. Other variant(s) that disrupt this residue have been determined to be pathogenic (PMID: 24535598, 26047050, 28129017). This suggests that this residue is clinically significant, and that variants that disrupt this residue are likely to be disease-causing. Loss-of-function variants in CRB1 are known to be pathogenic (PMID: 10508521, 22065545, 23379534, 25412400, 26957898, 28041643, 29391521). For these reasons, this variant has been classified as Pathogenic.

Literature cited by the submitters: PubMed 24535598; PubMed 26047050; PubMed 28129017.

NM_201253.3(CRB1):c.3395_3879-490del

Gene: CRB1 (crumbs cell polarity complex component 1; plus strand). Cytogenetic location: 1q31.3.
Variant type: Deletion.
Coding change: c.3395_3879-490del on transcript NM_201253.3 (MANE Select); coding-DNA position 3395 through 490 bases into the intron before coding-DNA position 3879, 6,419 bases deleted.
Molecular consequence: splice acceptor variant, splice donor variant.
Genome position (GRCh38, 1-based): chr1:197,435,258-197,441,676, 6,419 bases deleted. GRCh37 (hg19): chr1:197,404,388-197,410,806.
Other names: c.3323_3807-490del (NM_001257965.2); c.2129-342_2271-490del (NM_001257966.2); c.3059_3543-490del (NM_001193640.2).
Identifiers: ClinVar variation 940575 (VCV000940575.1), ClinGen allele CA1139656482.